The following is an entry in ClinVar:

ClinVar aggregate classification (germline): Likely benign. Review status: criteria provided, multiple submitters, no conflicts (2 of 4 stars). 5 submissions from 5 submitters: Likely benign (5). Last evaluated 2026-05-27.

Conditions:
TTN-related disorder. Also called: TTN-related disorders; TTN-related condition; TTN-related disease.
Autosomal recessive limb-girdle muscular dystrophy type 2J (LGMDR10). Also called: Limb-girdle muscular dystrophy, type 2J; MUSCULAR DYSTROPHY, LIMB-GIRDLE, AUTOSOMAL RECESSIVE 10. Identifiers: Orphanet 140922, MedGen C1837342, MONDO:0012127, OMIM 608807.
Dilated cardiomyopathy 1G (CMD1G). Identifiers: Orphanet 154, MedGen C1858763, MONDO:0011400, OMIM 604145.
Cardiovascular phenotype. Identifiers: MedGen CN230736.

Allele frequency attached by ClinVar (database versions not stated): gnomAD exomes 0.00002 and 0.00006; ExAC 0.00005; ESP Exome Variant Server 0.00016; TOPMed 0.00021; gnomAD 0.00024 and 0.00026.
gnomAD v4.1: 63 of 1,613,400 alleles (0.0039%); highest among the groups gnomAD compares: African/African-American, 0.056%; no homozygotes.

Submissions (5):

Women's Health and Genetics/Laboratory Corporation of America, LabCorp
Classification: Likely benign. Last evaluated: 2026-05-27. Review status: criteria provided, single submitter. Criteria: LabCorp Variant Classification Summary - May 2015. Collection method: clinical testing. Allele origin: germline.

Labcorp Genetics (formerly Invitae), Labcorp
Classification: Likely benign for Dilated cardiomyopathy 1G; Autosomal recessive limb-girdle muscular dystrophy type 2J. Last evaluated: 2026-02-04. Review status: criteria provided, single submitter. Criteria: Invitae Variant Classification Sherloc (09022015). Collection method: clinical testing. Allele origin: germline.

PreventionGenetics, part of Exact Sciences
Classification: Likely benign for TTN-related condition. Last evaluated: 2025-05-28. Review status: criteria provided, single submitter. Criteria: ACMG Guidelines, 2015. Collection method: clinical testing. Allele origin: germline.
Comment: This variant is classified as likely benign based on ACMG/AMP sequence variant interpretation guidelines (Richards et al. 2015 PMID: 25741868, with internal and published modifications).

Molecular Diagnostic Laboratory for Inherited Cardiovascular Disease, Montreal Heart Institute
Classification: Likely benign. Last evaluated: 2025-04-09. Review status: criteria provided, single submitter. Criteria: ACMG Guidelines, 2015. Collection method: clinical testing. Allele origin: germline. Affected: no.

Ambry Genetics
Classification: Likely benign for Cardiovascular phenotype. Last evaluated: 2019-08-15. Review status: criteria provided, single submitter. Criteria: Ambry Variant Classification Scheme 2023. Collection method: clinical testing. Allele origin: germline.

NM_001267550.2(TTN):c.80424C>T (p.Gly26808=)

Genes: TTN (titin; minus strand), TTN-AS1 (TTN antisense RNA 1; plus strand). Cytogenetic location: 2q31.2.
Variant type: single nucleotide variant.
Coding change: c.80424C>T on transcript NM_001267550.2 (MANE Select); coding-DNA position 80424, C replaced by T.
Protein change: p.Gly26808=; no amino-acid change (glycine 26808 retained).
Molecular consequence: synonymous variant.
Genome position (GRCh38, 1-based): chr2:178,565,708, G>A on the plus strand (C>T on the coding strand, the complement: TTN is on the minus strand). VCF-style: chr2-178565708-G-A. GRCh37 (hg19) VCF-style: chr2-179430435-G-A.
Other names: c.75501C>T, p.Gly25167= (NM_001256850.1); c.53229C>T, p.Gly17743= (NM_003319.4); c.72720C>T, p.Gly24240= (NM_133378.4); c.53604C>T, p.Gly17868= (NM_133432.3); c.53805C>T, p.Gly17935= (NM_133437.4).
Identifiers: ClinVar variation 413047 (VCV000413047.17), dbSNP rs373341944, ClinGen allele CA1989349.